The following is an entry in ClinVar:

NM_012478.4(WBP2):c.304+6T>A

Gene: WBP2 (WW domain binding protein 2; minus strand). Cytogenetic location: 17q25.1.
Variant type: single nucleotide variant.
Coding change: c.304+6T>A on transcript NM_012478.4 (MANE Select); 6 bases into the intron after coding-DNA position 304, T replaced by A.
Molecular consequence: intron variant.
Genome position (GRCh38, 1-based): chr17:75,849,598, A>T on the plus strand (T>A on the coding strand, the complement: WBP2 is on the minus strand). VCF-style: chr17-75849598-A-T. GRCh37 (hg19) VCF-style: chr17-73845679-A-T.
Other names: c.304+6T>A (NM_001348170.1, NM_001330499.2).
Identifiers: ClinVar variation 2893517 (VCV002893517.3), dbSNP rs750560121, ClinGen allele CA8773986.

ClinVar aggregate classification (germline): Uncertain significance (1 of 4 stars; one submission).

Allele frequency attached by ClinVar (database versions not stated): TOPMed 0.00001; gnomAD 0.00003; gnomAD exomes 0.00006; ExAC 0.00007.

Submission:

Labcorp Genetics (formerly Invitae), Labcorp
Classification: Uncertain significance. Last evaluated: 2023-01-20. Review status: criteria provided, single submitter. Criteria: Invitae Variant Classification Sherloc (09022015). Collection method: clinical testing. Allele origin: germline.
Comment: This sequence change falls in intron 3 of the WBP2 gene. It does not directly change the encoded amino acid sequence of the WBP2 protein. It affects a nucleotide within the consensus splice site. This variant is present in population databases (rs750560121, gnomAD 0.08%), and has an allele count higher than expected for a pathogenic variant. This variant has not been reported in the literature in individuals affected with WBP2-related conditions. Variants that disrupt the consensus splice site are a relatively common cause of aberrant splicing (PMID: 17576681, 9536098). Algorithms developed to predict the effect of sequence changes on RNA splicing suggest that this variant is not likely to affect RNA splicing. In summary, the available evidence is currently insufficient to determine the role of this variant in disease. Therefore, it has been classified as a Variant of Uncertain Significance.

Literature cited by the submitters: PubMed 17576681; PubMed 9536098.